The following is an entry in ClinVar:

NM_000257.4(MYH7):c.5662del (p.Gln1888fs)

Gene: MYH7 (myosin heavy chain 7; minus strand). Cytogenetic location: 14q11.2.
Variant type: Deletion.
Coding change: c.5662del on transcript NM_000257.4 (MANE Select); coding-DNA position 5662, one base deleted (C; older notation c.5662delC).
Protein change: p.Gln1888fs; shifts the reading frame from glutamine 1888.
Molecular consequence: frameshift variant.
Genome position (GRCh38, 1-based): chr14:23,413,887, G deleted on the plus strand (C on the coding strand, the reverse complement: MYH7 is on the minus strand). VCF-style (leftmost placement, unchanged base first): chr14-23413886-TG-T. GRCh37 (hg19) VCF-style: chr14-23883095-TG-T.
Other names: c.5662del, p.Gln1888fs (NM_001407004.1); short protein forms Q1888fs.
Identifiers: ClinVar variation 4879409 (VCV004879409.1).

ClinVar aggregate classification (germline): Uncertain significance (1 of 4 stars; one submission).

Conditions:
MYH7-related skeletal myopathy. Also called: MYOPATHY, DISTAL, EARLY-ONSET, AUTOSOMAL DOMINANT; MYOPATHY, LATE DISTAL HEREDITARY; Myopathy, distal, 1; Laing distal myopathy; Laing early-onset distal myopathy. Identifiers: Orphanet 59135, MedGen C4552004, MONDO:0008050, OMIM 160500.

Submission:

Institute of Human Genetics, University of Leipzig Medical Center
Classification: Uncertain significance for MYH7-related skeletal myopathy. Last evaluated: 2026-06-03. Review status: criteria provided, single submitter. Criteria: ACMG Guidelines, 2015. Collection method: clinical testing. Allele origin: maternal. Inheritance: Autosomal dominant inheritance. Affected: yes.
Comment: Criteria applied: PM2,PM4